The following is an entry in ClinVar:

ClinVar aggregate classification (germline): Uncertain significance. Review status: criteria provided, multiple submitters, no conflicts (2 of 4 stars). 2 submissions from 2 submitters: Uncertain significance (2). Last evaluated 2024-10-23.

Conditions:
Hereditary cancer-predisposing syndrome. Also called: Neoplastic Syndromes, Hereditary; Hereditary Cancer Syndrome; Hereditary neoplastic syndrome; Tumor predisposition. Identifiers: Orphanet 140162, MedGen C0027672, MeSH D009386, MONDO:0015356.
Tuberous sclerosis 1 (TSC1). Identifiers: Orphanet 805, MedGen C1854465, MONDO:0008612, OMIM 191100.

Submissions (2):

Labcorp Genetics (formerly Invitae), Labcorp
Classification: Uncertain significance for Tuberous sclerosis 1. Last evaluated: 2024-10-23. Review status: criteria provided, single submitter. Criteria: Invitae Variant Classification Sherloc (09022015). Collection method: clinical testing. Allele origin: germline.
Comment: This sequence change replaces isoleucine, which is neutral and non-polar, with methionine, which is neutral and non-polar, at codon 257 of the TSC1 protein (p.Ile257Met). This variant is not present in population databases (gnomAD no frequency). This variant has not been reported in the literature in individuals affected with TSC1-related conditions. ClinVar contains an entry for this variant (Variation ID: 827220). Invitae Evidence Modeling of protein sequence and biophysical properties (such as structural, functional, and spatial information, amino acid conservation, physicochemical variation, residue mobility, and thermodynamic stability) indicates that this missense variant is not expected to disrupt TSC1 protein function with a negative predictive value of 95%. In summary, the available evidence is currently insufficient to determine the role of this variant in disease. Therefore, it has been classified as a Variant of Uncertain Significance.

Ambry Genetics
Classification: Uncertain significance for Hereditary cancer-predisposing syndrome. Last evaluated: 2022-11-14. Review status: criteria provided, single submitter. Criteria: Ambry Variant Classification Scheme 2023. Collection method: clinical testing. Allele origin: germline.
Comment: The p.I257M variant (also known as c.771C>G), located in coding exon 7 of the TSC1 gene, results from a C to G substitution at nucleotide position 771. The isoleucine at codon 257 is replaced by methionine, an amino acid with highly similar properties. This amino acid position is well conserved in available vertebrate species. In addition, the in silico prediction for this alteration is inconclusive. Since supporting evidence is limited at this time, the clinical significance of this alteration remains unclear.

NM_000368.5(TSC1):c.771C>G (p.Ile257Met)

Gene: TSC1 (TSC complex subunit 1; minus strand). Cytogenetic location: 9q34.13.
Variant type: single nucleotide variant.
Coding change: c.771C>G on transcript NM_000368.5 (MANE Select); coding-DNA position 771, C replaced by G.
Protein change: p.Ile257Met; replaces isoleucine 257 with methionine.
Molecular consequence: missense variant.
Genome position (GRCh38, 1-based): chr9:132,912,424, G>C on the plus strand (C>G on the coding strand, the complement: TSC1 is on the minus strand). VCF-style: chr9-132912424-G-C. GRCh37 (hg19) VCF-style: chr9-135787811-G-C.
Other names: c.771C>G, p.Ile257Met (NM_001162426.2); c.618C>G, p.Ile206Met (NM_001162427.2); c.408C>G, p.Ile136Met (NM_001362177.2); short protein forms I136M, I206M, I257M.
Identifiers: ClinVar variation 827220 (VCV000827220.12), dbSNP rs1060504854, ClinGen allele CA375369600.